The following is an entry in ClinVar:

ClinVar aggregate classification (germline): Conflicting classifications of pathogenicity. Review status: criteria provided, conflicting classifications (1 of 4 stars). 2 submissions from 2 submitters: Uncertain significance (1); Likely benign (1). Last evaluated 2022-03-15.

Conditions:
Inborn genetic diseases. Identifiers: MedGen C0950123, MeSH D030342.

Allele frequency attached by ClinVar (database versions not stated): gnomAD 0.00001; gnomAD exomes 0.00002.
gnomAD v4.1: 23 of 1,403,404 alleles (0.0016%); highest among the groups gnomAD compares: Non-Finnish European, 0.0021%; no homozygotes.

Submissions (2):

Ambry Genetics
Classification: Uncertain significance for Inborn genetic diseases. Last evaluated: 2022-03-15. Review status: criteria provided, single submitter. Criteria: Ambry Variant Classification Scheme 2023. Collection method: clinical testing. Allele origin: germline.
Comment: The c.34-4A>G intronic alteration consists of a A to G substitution 4 nucleotides before coding exon 2 in the SLC25A26 gene. Based on insufficient or conflicting evidence, the clinical significance of this alteration remains unclear.

GeneDx
Classification: Likely benign. Last evaluated: 2021-03-03. Review status: criteria provided, single submitter. Criteria: GeneDx Variant Classification Process June 2021. Collection method: clinical testing. Allele origin: germline. Affected: yes.

NM_001379210.1(SLC25A26):c.34-4A>G

Gene: SLC25A26 (solute carrier family 25 member 26; plus strand). Cytogenetic location: 3p14.1.
Variant type: single nucleotide variant.
Coding change: c.34-4A>G on transcript NM_001379210.1 (MANE Select); 4 bases into the intron before coding-DNA position 34, A replaced by G.
Molecular consequence: intron variant.
Genome position (GRCh38, 1-based): chr3:66,236,540, A>G. VCF-style: chr3-66236540-A-G. GRCh37 (hg19) VCF-style: chr3-66286964-A-G.
Other names: c.34-4A>G (NM_173471.4, NM_173471.3); c.-231-4A>G (NM_001350993.1); c.-74-6663A>G (NM_001164796.1).
Identifiers: ClinVar variation 1334372 (VCV001334372.4), dbSNP rs1483149274, ClinGen allele CA909493376.